The following is an entry in ClinVar:

NM_000083.3(CLCN1):c.1261dup (p.Arg421fs)

Gene: CLCN1 (chloride voltage-gated channel 1; plus strand). Cytogenetic location: 7q34.
Variant type: Duplication.
Coding change: c.1261dup on transcript NM_000083.3 (MANE Select); coding-DNA position 1261, one base duplicated (C; older notation c.1261dupC).
Protein change: p.Arg421fs; shifts the reading frame from arginine 421.
Molecular consequence: frameshift variant.
Genome position (GRCh38, 1-based): chr7:143,332,733, C duplicated; the last of 4 consecutive C bases (chr7:143,332,730-143,332,733); duplicating any one gives the same sequence. VCF-style (leftmost placement, unchanged base first): chr7-143332729-G-GC. GRCh37 (hg19) VCF-style: chr7-143029822-G-GC.
Other names: c.1261dupC (NM_000083.2); short protein forms R421fs.
Identifiers: ClinVar variation 447048 (VCV000447048.24), dbSNP rs763633152, ClinGen allele CA4537306.

ClinVar aggregate classification (germline): Pathogenic. Review status: criteria provided, multiple submitters, no conflicts (2 of 4 stars). 7 submissions from 7 submitters: Pathogenic (7). Last evaluated 2025-11-04.

Conditions:
Congenital myotonia, autosomal recessive form. Also called: Becker Generalized Myotonia; myotonia congenita, autosomal recessive; BECKER DISEASE. Identifiers: Orphanet 614, MedGen C0751360, MONDO:0009715, OMIM 255700.
Congenital myotonia, autosomal dominant form (THD). Also called: THOMSEN DISEASE; Myotonia congenita autosomal dominant. Identifiers: Orphanet 614, MedGen C2936781, MONDO:0008055, OMIM 160800.

Submissions (7):

Labcorp Genetics (formerly Invitae), Labcorp
Classification: Pathogenic for Congenital myotonia, autosomal recessive form; Congenital myotonia, autosomal dominant form. Last evaluated: 2025-11-04. Review status: criteria provided, single submitter. Criteria: Invitae Variant Classification Sherloc (09022015). Collection method: clinical testing. Allele origin: germline.
Comment: This sequence change creates a premature translational stop signal (p.Arg421Profs*9) in the CLCN1 gene. It is expected to result in an absent or disrupted protein product. Loss-of-function variants in CLCN1 are known to be pathogenic (PMID: 17932099, 22094069, 23739125). This variant is present in population databases (rs763633152, gnomAD 0.02%). This premature translational stop signal has been observed in individual(s) with autosomal recessive myotonia congenita (PMID: 8533761). In at least one individual the data is consistent with being in trans (on the opposite chromosome) from a pathogenic variant. It has also been observed to segregate with disease in related individuals. This variant is also known as 1262insC. ClinVar contains an entry for this variant (Variation ID: 447048). For these reasons, this variant has been classified as Pathogenic.

Fulgent Genetics
Classification: Pathogenic for Congenital myotonia, autosomal dominant form; Congenital myotonia, autosomal recessive form. Last evaluated: 2024-04-09. Review status: criteria provided, single submitter. Criteria: ACMG Guidelines, 2015. Collection method: clinical testing. Allele origin: germline.

Athena Diagnostics
Classification: Pathogenic. Last evaluated: 2023-05-05. Review status: criteria provided, single submitter. Criteria: Athena Diagnostics Criteria. Collection method: clinical testing. Allele origin: unknown.
Comment: This variant is expected to result in the loss of a functional protein. The frequency of this variant in the general population is consistent with pathogenicity. This variant has been reported in multiple families with autosomal recessive myotonia congenita (PMID: 29606556, 8533761).

GeneDx
Classification: Pathogenic. Last evaluated: 2022-08-11. Review status: criteria provided, single submitter. Criteria: GeneDx Variant Classification Process June 2021. Collection method: clinical testing. Allele origin: germline. Affected: yes.
Comment: Frameshift variant predicted to result in protein truncation or nonsense mediated decay in a gene for which loss-of-function is a known mechanism of disease; Not observed at significant frequency in large population cohorts (gnomAD); This variant is associated with the following publications: (PMID: 8533761, 31589614, 35170402, 35350395)

Revvity Omics, Revvity
Classification: Pathogenic. Last evaluated: 2020-11-05. Review status: criteria provided, single submitter. Criteria: ACMG Guidelines, 2015. Collection method: clinical testing. Allele origin: germline.

Women's Health and Genetics/Laboratory Corporation of America, LabCorp
Classification: Pathogenic for Congenital myotonia, autosomal recessive form. Last evaluated: 2019-05-24. Review status: criteria provided, single submitter. Criteria: LabCorp Variant Classification Summary - May 2015. Collection method: clinical testing. Allele origin: germline.
Comment: Variant summary: CLCN1 c.1261dupC (p.Arg421ProfsX9) results in a premature termination codon, predicted to cause a truncation of the encoded protein or absence of the protein due to nonsense mediated decay, which are commonly known mechanisms for disease. The variant allele was found at a frequency of 2.8e-05 in 251658 control chromosomes (gnomAD) and has been reported in the literature in individuals affected with Congenital and generalized myotonia in an autosomal recessive form (Meyer-Kleine_1995, Stunnenberg_2018). These data indicate that the variant may be associated with disease. To our knowledge, no experimental evidence demonstrating an impact on protein function has been reported. Two ClinVar submissions from clinical diagnostic laboratories (evaluation after 2014) cites the variant as pathogenic. Based on the evidence outlined above, the variant was classified as pathogenic.

Clinical Genetics Service, Universitary Hospital 12 de Octubre
Classification: Pathogenic for Congenital myotonia, autosomal recessive form. Review status: criteria provided, single submitter. Criteria: ACMG Guidelines, 2015. Collection method: clinical testing. Allele origin: germline. Affected: yes.

Literature cited by the submitters: PubMed 17932099 (cited by Labcorp Genetics (formerly Invitae), Labcorp); PubMed 22094069 (cited by Labcorp Genetics (formerly Invitae), Labcorp); PubMed 23739125 (cited by Labcorp Genetics (formerly Invitae), Labcorp); PubMed 8533761 (cited by 3 submitters); PubMed 29606556 (cited by Athena Diagnostics and Women's Health and Genetics/Laboratory Corporation of America, LabCorp).